The following is an entry in ClinVar:

NM_000969.5(RPL5):c.761A>G (p.Glu254Gly)

Genes: DIPK1A (divergent protein kinase domain 1A; minus strand), RPL5 (ribosomal protein L5; plus strand). Cytogenetic location: 1p22.1.
Variant type: single nucleotide variant.
Coding change: c.761A>G on transcript NM_000969.5 (MANE Select); coding-DNA position 761, A replaced by G.
Protein change: p.Glu254Gly; replaces glutamic acid 254 with glycine.
Molecular consequence: missense variant. On other transcripts: non-coding transcript variant (1), intron variant (1).
Genome position (GRCh38, 1-based): chr1:92,840,606, A>G. VCF-style: chr1-92840606-A-G. GRCh37 (hg19) VCF-style: chr1-93306163-A-G.
Other names: c.474+6577T>C (NM_001252273.2); short protein forms E254G.
Identifiers: ClinVar variation 3013426 (VCV003013426.3), dbSNP rs2524473970, ClinGen allele CA341243657.

ClinVar aggregate classification (germline): Uncertain significance (1 of 4 stars; one submission).

Conditions:
Diamond-Blackfan anemia. Also called: Blackfan Diamond syndrome; Aregenerative anemia chronic congenital; Red cell aplasia, pure hereditary; Congenital hypoplastic anemia; Aase syndrome. Identifiers: Orphanet 124, MedGen C1260899, MeSH D029503, MONDO:0015253, HP:0004810.

Submission:

Labcorp Genetics (formerly Invitae), Labcorp
Classification: Uncertain significance for Diamond-Blackfan anemia. Last evaluated: 2023-01-11. Review status: criteria provided, single submitter. Criteria: Invitae Variant Classification Sherloc (09022015). Collection method: clinical testing. Allele origin: germline.
Comment: In summary, the available evidence is currently insufficient to determine the role of this variant in disease. Therefore, it has been classified as a Variant of Uncertain Significance. Advanced modeling of protein sequence and biophysical properties (such as structural, functional, and spatial information, amino acid conservation, physicochemical variation, residue mobility, and thermodynamic stability) performed at Invitae indicates that this missense variant is not expected to disrupt RPL5 protein function. This variant has not been reported in the literature in individuals affected with RPL5-related conditions. This variant is not present in population databases (gnomAD no frequency). This sequence change replaces glutamic acid, which is acidic and polar, with glycine, which is neutral and non-polar, at codon 254 of the RPL5 protein (p.Glu254Gly).